The following is an entry in ClinVar:

ClinVar aggregate classification (germline): Uncertain significance (1 of 4 stars; one submission).

Conditions:
Atrial fibrillation, familial, 6 (ATFB6). Identifiers: MedGen C2677294, MONDO:0012816, OMIM 612201.

Submission:

Labcorp Genetics (formerly Invitae), Labcorp
Classification: Uncertain significance for Atrial fibrillation, familial, 6. Last evaluated: 2025-06-05. Review status: criteria provided, single submitter. Criteria: Invitae Variant Classification Sherloc (09022015). Collection method: clinical testing. Allele origin: germline.
Comment: This sequence change replaces arginine, which is basic and polar, with lysine, which is basic and polar, at codon 150 of the NPPA protein (p.Arg150Lys). Information on the frequency of this variant in the gnomAD database is not available, as this variant may be reported differently in the database. This variant has not been reported in the literature in individuals affected with NPPA-related conditions. An algorithm developed to predict the effect of missense changes on protein structure and function (PolyPhen-2) suggests that this variant is likely to be disruptive. In summary, the available evidence is currently insufficient to determine the role of this variant in disease. Therefore, it has been classified as a Variant of Uncertain Significance.

NM_006172.4(NPPA):c.448_449delinsAA (p.Arg150Lys)

Genes: NPPA (natriuretic peptide A; minus strand), NPPA-AS1 (NPPA antisense RNA 1; plus strand), LOC114827827 (VISTA enhancer hs2123; plus strand). Cytogenetic location: 1p36.22.
Variant type: Indel.
Coding change: c.448_449delinsAA on transcript NM_006172.4 (MANE Select); coding-DNA positions 448 to 449, CG replaced by AA.
Protein change: p.Arg150Lys; replaces arginine 150 with lysine.
Molecular consequence: missense variant.
Genome position (GRCh38, 1-based): chr1:11,847,114-11,847,115, CG replaced by TT on the plus strand (CG replaced by AA on the coding strand, the reverse complement: NPPA is on the minus strand). VCF-style: chr1-11847114-CG-TT. GRCh37 (hg19) VCF-style: chr1-11907171-CG-TT.
Other names: short protein forms R150K.
Identifiers: ClinVar variation 4719870 (VCV004719870.1).